The following is an entry in ClinVar:

NM_198253.3(TERT):c.548A>G (p.Gln183Arg)

Gene: TERT (telomerase reverse transcriptase; minus strand). Cytogenetic location: 5p15.33.
Variant type: single nucleotide variant.
Coding change: c.548A>G on transcript NM_198253.3 (MANE Select); coding-DNA position 548, A replaced by G.
Protein change: p.Gln183Arg; replaces glutamine 183 with arginine.
Molecular consequence: missense variant. On other transcripts: non-coding transcript variant (2).
Genome position (GRCh38, 1-based): chr5:1,294,338, T>C on the plus strand (A>G on the coding strand, the complement: TERT is on the minus strand). VCF-style: chr5-1294338-T-C. GRCh37 (hg19) VCF-style: chr5-1294453-T-C.
Other names: c.548A>G (NM_198253.2); c.548A>G, p.Gln183Arg (NM_001193376.3); short protein forms Q183R.
Identifiers: ClinVar variation 1004105 (VCV001004105.9), dbSNP rs1751235742, ClinGen allele CA359057575.
Genomic context (GRCh38, chr5:1,294,338, plus strand): 5'-CAGGCCCGTTCGCATCCCAGACGCCTTCGGGGTCCACTAGCGTGTGGCGGGGGCCGGGCC[T>C]GAGTGGCAGCGCCGAGCTGGTACAGCGGCGGCCCGCACACCTGGTAGGCGCAGCTGGGAG-3'
Protein context (NP_937983.2, residues 173-193): PPLYQLGAAT[Gln183Arg]ARPPPHASGP

ClinVar aggregate classification (germline): Uncertain significance. Review status: criteria provided, multiple submitters, no conflicts (2 of 4 stars). 2 submissions from 2 submitters: Uncertain significance (2). Last evaluated 2024-08-31.

Conditions:
Dyskeratosis congenita, autosomal dominant 2. Identifiers: MedGen C3151443, MONDO:0013521, OMIM 613989.
Idiopathic Pulmonary Fibrosis. Also called: Idiopathic fibrosing alveolitis, chronic form; idiopathic fibrosing alveolitis. Identifiers: Orphanet 2032, MedGen C1800706, MeSH D054990, MONDO:0800504.
Dyskeratosis congenita. Identifiers: Orphanet 1775, MedGen C0265965, MONDO:0015780.

Submissions (2):

Labcorp Genetics (formerly Invitae), Labcorp
Classification: Uncertain significance for Dyskeratosis congenita, autosomal dominant 2; Idiopathic Pulmonary Fibrosis. Last evaluated: 2024-08-31. Review status: criteria provided, single submitter. Criteria: Invitae Variant Classification Sherloc (09022015). Collection method: clinical testing. Allele origin: germline.
Comment: This sequence change replaces glutamine, which is neutral and polar, with arginine, which is basic and polar, at codon 183 of the TERT protein (p.Gln183Arg). This variant is not present in population databases (gnomAD no frequency). This variant has not been reported in the literature in individuals affected with TERT-related conditions. ClinVar contains an entry for this variant (Variation ID: 1004105). Invitae Evidence Modeling of protein sequence and biophysical properties (such as structural, functional, and spatial information, amino acid conservation, physicochemical variation, residue mobility, and thermodynamic stability) indicates that this missense variant is not expected to disrupt TERT protein function with a negative predictive value of 95%. In summary, the available evidence is currently insufficient to determine the role of this variant in disease. Therefore, it has been classified as a Variant of Uncertain Significance.

Ambry Genetics
Classification: Uncertain significance for Dyskeratosis congenita. Last evaluated: 2023-09-21. Review status: criteria provided, single submitter. Criteria: Ambry Variant Classification Scheme 2023. Collection method: clinical testing. Allele origin: germline.
Comment: The p.Q183R variant (also known as c.548A>G), located in coding exon 2 of the TERT gene, results from an A to G substitution at nucleotide position 548. The glutamine at codon 183 is replaced by arginine, an amino acid with highly similar properties. This amino acid position is conserved. In addition, this alteration is predicted to be tolerated by in silico analysis. Since supporting evidence is limited at this time, the clinical significance of this alteration remains unclear.